The following is an entry in ClinVar:

NM_022489.4(INF2):c.507+3G>T

Gene: INF2 (inverted formin 2; plus strand). Cytogenetic location: 14q32.33.
Variant type: single nucleotide variant.
Coding change: c.507+3G>T on transcript NM_022489.4 (MANE Select); 3 bases into the intron after coding-DNA position 507, G replaced by T.
Molecular consequence: intron variant.
Genome position (GRCh38, 1-based): chr14:104,703,223, G>T. VCF-style: chr14-104703223-G-T. GRCh37 (hg19) VCF-style: chr14-105169560-G-T.
Other names: c.507+3G>T (NM_001031714.4, NM_032714.3).
Identifiers: ClinVar variation 2923957 (VCV002923957.3), dbSNP rs1390440857, ClinGen allele CA616584660.

ClinVar aggregate classification (germline): Uncertain significance (1 of 4 stars; one submission).

Conditions:
Focal segmental glomerulosclerosis 5 (FSGS5). Identifiers: Orphanet 656, MedGen C2750475, MONDO:0013191, OMIM 613237.
Charcot-Marie-Tooth disease dominant intermediate E. Also called: CHARCOT-MARIE-TOOTH NEUROPATHY WITH FOCAL SEGMENTAL GLOMERULONEPHRITIS. Identifiers: Orphanet 93114, MedGen C4302667, MONDO:0013758, OMIM 614455.

Allele frequency attached by ClinVar (database versions not stated): gnomAD exomes 0.00001.
gnomAD v4.1: 3 of 1,613,192 alleles (0.00019%); highest among the groups gnomAD compares: Non-Finnish European, 0.000085%; no homozygotes.

Submission:

Labcorp Genetics (formerly Invitae), Labcorp
Classification: Uncertain significance for Charcot-Marie-Tooth disease dominant intermediate E; Focal segmental glomerulosclerosis 5. Last evaluated: 2023-12-09. Review status: criteria provided, single submitter. Criteria: Invitae Variant Classification Sherloc (09022015). Collection method: clinical testing. Allele origin: germline.
Comment: This sequence change falls in intron 3 of the INF2 gene. It does not directly change the encoded amino acid sequence of the INF2 protein. It affects a nucleotide within the consensus splice site. This variant is present in population databases (no rsID available, gnomAD 0.004%). This variant has not been reported in the literature in individuals affected with INF2-related conditions. Variants that disrupt the consensus splice site are a relatively common cause of aberrant splicing (PMID: 17576681, 9536098). Algorithms developed to predict the effect of sequence changes on RNA splicing suggest that this variant is not likely to affect RNA splicing. In summary, the available evidence is currently insufficient to determine the role of this variant in disease. Therefore, it has been classified as a Variant of Uncertain Significance.

Literature cited by the submitters: PubMed 17576681; PubMed 9536098.